The following is an entry in ClinVar:

ClinVar aggregate classification (germline): Uncertain significance. Review status: criteria provided, multiple submitters, no conflicts (2 of 4 stars). 2 submissions from 2 submitters: Uncertain significance (2). Last evaluated 2025-11-28.

Conditions:
Hereditary cancer-predisposing syndrome. Also called: Tumor predisposition; Neoplastic Syndromes, Hereditary; Hereditary Cancer Syndrome; Hereditary neoplastic syndrome. Identifiers: Orphanet 140162, MedGen C0027672, MeSH D009386, MONDO:0015356.
Ataxia-telangiectasia syndrome (AT). Also called: ATAXIA-TELANGIECTASIA, COMPLEMENTATION GROUP A; ATAXIA-TELANGIECTASIA, FRESNO VARIANT; Ataxia-telangiectasia; Ataxia-telangiectasia, complementation group D; AT, COMPLEMENTATION GROUP C; Ataxia-telangiectasia, complementation group E. Identifiers: Orphanet 100, MedGen C0004135, MONDO:0008840, OMIM 208900.

Submissions (2):

Labcorp Genetics (formerly Invitae), Labcorp
Classification: Uncertain significance for Ataxia-telangiectasia syndrome. Last evaluated: 2025-11-28. Review status: criteria provided, single submitter. Criteria: Invitae Variant Classification Sherloc (09022015). Collection method: clinical testing. Allele origin: germline.
Comment: This sequence change replaces glutamine, which is neutral and polar, with lysine, which is basic and polar, at codon 2724 of the ATM protein (p.Gln2724Lys). This variant is not present in population databases (gnomAD no frequency). This missense change has been observed in individual(s) with breast cancer (PMID: 33128190). ClinVar contains an entry for this variant (Variation ID: 856232). Invitae Evidence Modeling of protein sequence and biophysical properties (such as structural, functional, and spatial information, amino acid conservation, physicochemical variation, residue mobility, and thermodynamic stability) indicates that this missense variant is expected to disrupt ATM protein function with a positive predictive value of 80%. In summary, the available evidence is currently insufficient to determine the role of this variant in disease. Therefore, it has been classified as a Variant of Uncertain Significance.

Ambry Genetics
Classification: Uncertain significance for Hereditary cancer-predisposing syndrome. Last evaluated: 2024-02-29. Review status: criteria provided, single submitter. Criteria: Ambry Variant Classification Scheme 2023. Collection method: clinical testing. Allele origin: germline.
Comment: The p.Q2724K variant (also known as c.8170C>A), located in coding exon 55 of the ATM gene, results from a C to A substitution at nucleotide position 8170. The glutamine at codon 2724 is replaced by lysine, an amino acid with similar properties. This amino acid position is highly conserved in available vertebrate species. In addition, this alteration is predicted to be deleterious by in silico analysis. Based on the available evidence, the clinical significance of this alteration remains unclear.

Literature cited by the submitters: PubMed 33128190 (cited by Labcorp Genetics (formerly Invitae), Labcorp and Ambry Genetics).

NM_000051.4(ATM):c.8170C>A (p.Gln2724Lys)

Genes: ATM (ATM serine/threonine kinase; plus strand), C11orf65 (chromosome 11 open reading frame 65; minus strand). Cytogenetic location: 11q22.3.
Variant type: single nucleotide variant.
Coding change: c.8170C>A on transcript NM_000051.4 (MANE Select); coding-DNA position 8170, C replaced by A.
Protein change: p.Gln2724Lys; replaces glutamine 2724 with lysine.
Molecular consequence: missense variant. On other transcripts: intron variant (2).
Genome position (GRCh38, 1-based): chr11:108,335,863, C>A. VCF-style: chr11-108335863-C-A. GRCh37 (hg19) VCF-style: chr11-108206590-C-A.
Other names: c.8170C>A, p.Gln2724Lys (NM_001351834.2); c.641-26792G>T (NM_001330368.2); c.695-571G>T (NM_001351110.2); short protein forms Q2724K.
Identifiers: ClinVar variation 856232 (VCV000856232.12), dbSNP rs2086784990, ClinGen allele CA382562491.